The following is an entry in ClinVar:

NM_001035.3(RYR2):c.3425C>T (p.Ala1142Val)

Gene: RYR2 (ryanodine receptor 2; plus strand). Cytogenetic location: 1q43.
Variant type: single nucleotide variant.
Coding change: c.3425C>T on transcript NM_001035.3 (MANE Select); coding-DNA position 3425, C replaced by T.
Protein change: p.Ala1142Val; replaces alanine 1142 with valine.
Molecular consequence: missense variant.
Genome position (GRCh38, 1-based): chr1:237,569,146, C>T. VCF-style: chr1-237569146-C-T. GRCh37 (hg19) VCF-style: chr1-237732446-C-T.
Other names: p.A1142V:GCC>GTC; c.3425C>T, p.Ala1142Val (LRG_402t1); short protein forms A1142V.
Identifiers: ClinVar variation 201238 (VCV000201238.7), dbSNP rs772148152, ClinGen allele CA009227.

ClinVar aggregate classification (germline): Uncertain significance. Review status: criteria provided, multiple submitters, no conflicts (2 of 4 stars). 2 submissions from 2 submitters: Uncertain significance (2). Last evaluated 2025-09-09.

Conditions:
Cardiomyopathy (CMYO). Also called: Cardiomyopathies. Identifiers: Orphanet 167848, MedGen C0878544, MONDO:0004994, HP:0001638. Inheritance: Various modes of inheritance.

Allele frequency attached by ClinVar (database versions not stated): gnomAD exomes below 0.00001.
gnomAD v4.1: 2 of 1,611,494 alleles (0.00012%); highest among the groups gnomAD compares: South Asian, 0.0011%; no homozygotes.

Submissions (2):

Color Diagnostics, LLC DBA Color Health
Classification: Uncertain significance for Cardiomyopathy. Last evaluated: 2025-09-09. Review status: criteria provided, single submitter. Criteria: ACMG Guidelines, 2015. Collection method: clinical testing. Allele origin: germline.
Comment: This missense variant replaces alanine with valine at codon 1142 of the RYR2 protein. Computational prediction suggests that this variant may not impact protein structure and function. To our knowledge, functional studies have not been reported for this variant. This variant has not been reported in individuals affected with RYR2-related disorders in the literature. This variant has not been identified in the general population by the Genome Aggregation Database (gnomAD). The available evidence is insufficient to determine the role of this variant in disease conclusively. Therefore, this variant is classified as a Variant of Uncertain Significance.

GeneDx
Classification: Uncertain significance. Last evaluated: 2013-02-13. Review status: criteria provided, single submitter. Criteria: GeneDx Variant Classification (06012015). Collection method: clinical testing. Allele origin: germline. Affected: yes.
Comment: p.Ala1142Val (GCC>GTC): c.3425 C>T in exon 29 of the RYR2 gene (NM_001035.2). The Ala1142Val variant in the RYR2 gene has not been reported as a disease-causing mutation or as a benign polymorphism to our knowledge. Ala1142Val results in a conservative amino acid substitution of one non-polar amino acid for another at a position that is conserved in mammals. Two in silico analysis programs predict Ala1142Val is benign to the protein structure/function, while another predicts it is possibly damaging. In addition, there have been no nearby mutations reported in association with arrhythmia, indicating this region of the protein may be tolerant of change. However, the Ala1142Val variant was not observed in approximately 6,000 individuals of European and African American ancestry in the NHLBI Exome Sequencing Project, indicating it is not a common benign variant in these populations. With the clinical and molecular information available at this time, we cannot definitively determine if Ala1142Val is a disease-causing mutation or a rare benign variant. Arrhythmogenic right ventricular cardiomyopathy (ARVC) is primarily an autosomal dominant disease characterized by progressive fibrofatty replacement of the myocardium that predisposes to ventricular tachycardia and sudden death (McNally E et al., 2009; Nava A et al., 2000). ARVC is most frequently caused by mutations in the genes encoding desmosomal proteins, complexes that maintain cell-to-cell connections and provide mechanical attachments among adjacent cells. Less commonly, ARVC may be caused by mutations in genes that encode proteins that maintain calcium homeostasis (McNally E et al., 2009). Approximately 50% of patients with autosomal dominant CPVT have been reported to have a mutation in the RYR2 gene, while mutations in the RYR2 gene associated with ARVC are rare (McNally E et al., 2009; Napolitano C et al., 2012). The variant is found in ARVC panel(s).